The following is an entry in ClinVar:

NM_001267550.2(TTN):c.65964C>T (p.Ile21988=)

Genes: TTN (titin; minus strand), TTN-AS1 (TTN antisense RNA 1; plus strand). Cytogenetic location: 2q31.2.
Variant type: single nucleotide variant.
Coding change: c.65964C>T on transcript NM_001267550.2 (MANE Select); coding-DNA position 65964, C replaced by T.
Protein change: p.Ile21988=; no amino-acid change (isoleucine 21988 retained).
Molecular consequence: synonymous variant.
Genome position (GRCh38, 1-based): chr2:178,582,492, G>A on the plus strand (C>T on the coding strand, the complement: TTN is on the minus strand). VCF-style: chr2-178582492-G-A. GRCh37 (hg19) VCF-style: chr2-179447219-G-A.
Other names: c.61041C>T, p.Ile20347= (NM_001256850.1); c.38769C>T, p.Ile12923= (NM_003319.4); c.58260C>T, p.Ile19420= (NM_133378.4); c.39144C>T, p.Ile13048= (NM_133432.3); c.39345C>T, p.Ile13115= (NM_133437.4).
Identifiers: ClinVar variation 413185 (VCV000413185.18), dbSNP rs371954292, ClinGen allele CA1991603.
Genomic context (GRCh38, chr2:178,582,492, plus strand): 5'-TGCAGAGACTTGAGCCCAGTTGGGCCTGCTTGTTTCACGTTTGTCAACAATATAGTTGGT[G>A]ATTTCTGAGCCTCCATCTTCAAGAGGCGGTTCCCAAGAAAGCATAGCACGATCTGAATAC-3'
Protein context (NP_001254479.2, residues 21978-21998): EPPLEDGGSE[Ile21988=]TNYIVDKRET

ClinVar aggregate classification (germline): Likely benign. Review status: criteria provided, multiple submitters, no conflicts (2 of 4 stars). 5 submissions from 5 submitters: Likely benign (5). Last evaluated 2026-04-27.

Conditions:
TTN-related disorder. Also called: TTN-related disorders; TTN-related condition; TTN-related disease.
Cardiovascular phenotype. Identifiers: MedGen CN230736.
Autosomal recessive limb-girdle muscular dystrophy type 2J (LGMDR10). Also called: Limb-girdle muscular dystrophy, type 2J; MUSCULAR DYSTROPHY, LIMB-GIRDLE, AUTOSOMAL RECESSIVE 10. Identifiers: Orphanet 140922, MedGen C1837342, MONDO:0012127, OMIM 608807.
Dilated cardiomyopathy 1G (CMD1G). Identifiers: Orphanet 154, MedGen C1858763, MONDO:0011400, OMIM 604145.

Allele frequency attached by ClinVar (database versions not stated): gnomAD exomes below 0.00001 and 0.00001; ExAC 0.00002; gnomAD 0.00007; TOPMed 0.00007; ESP Exome Variant Server 0.00008.
gnomAD v4.1: 14 of 1,612,790 alleles (0.00087%); highest among the groups gnomAD compares: African/African-American, 0.019%; no homozygotes.

Submissions (5):

Women's Health and Genetics/Laboratory Corporation of America, LabCorp
Classification: Likely benign. Last evaluated: 2026-04-27. Review status: criteria provided, single submitter. Criteria: LabCorp Variant Classification Summary - May 2015. Collection method: clinical testing. Allele origin: germline.

Labcorp Genetics (formerly Invitae), Labcorp
Classification: Likely benign for Dilated cardiomyopathy 1G; Autosomal recessive limb-girdle muscular dystrophy type 2J. Last evaluated: 2025-12-24. Review status: criteria provided, single submitter. Criteria: Invitae Variant Classification Sherloc (09022015). Collection method: clinical testing. Allele origin: germline.

PreventionGenetics, part of Exact Sciences
Classification: Likely benign for TTN-related condition. Last evaluated: 2025-03-11. Review status: criteria provided, single submitter. Criteria: ACMG Guidelines, 2015. Collection method: clinical testing. Allele origin: germline.
Comment: This variant is classified as likely benign based on ACMG/AMP sequence variant interpretation guidelines (Richards et al. 2015 PMID: 25741868, with internal and published modifications).

Ambry Genetics
Classification: Likely benign for Cardiovascular phenotype. Last evaluated: 2022-05-30. Review status: criteria provided, single submitter. Criteria: Ambry Variant Classification Scheme 2023. Collection method: clinical testing. Allele origin: germline.

GeneDx
Classification: Likely benign. Last evaluated: 2019-11-18. Review status: criteria provided, single submitter. Criteria: GeneDx Variant Classification Process June 2021. Collection method: clinical testing. Allele origin: germline. Affected: yes.